The following is an entry in ClinVar:

ClinVar aggregate classification (germline): Likely pathogenic (1 of 4 stars; one submission).

Conditions:
GABBR1-related condition.

Submission:

PreventionGenetics, part of Exact Sciences
Classification: Likely pathogenic for GABBR1-related condition. Last evaluated: 2024-12-05. Review status: criteria provided, single submitter. Criteria: ACMG Guidelines, 2015. Collection method: clinical testing. Allele origin: germline.
Comment: The GABBR1 c.830G>A variant is predicted to result in the amino acid substitution p.Arg277Gln. To our knowledge, this variant has not been reported in the literature or in a large population database (gnomAD), indicating this variant is rare. This variant is interpreted as likely pathogenic.

NM_001470.4(GABBR1):c.830G>A (p.Arg277Gln)

Gene: GABBR1 (gamma-aminobutyric acid type B receptor subunit 1; minus strand). Cytogenetic location: 6p22.1.
Variant type: single nucleotide variant.
Coding change: c.830G>A on transcript NM_001470.4 (MANE Select); coding-DNA position 830, G replaced by A.
Protein change: p.Arg277Gln; replaces arginine 277 with glutamine.
Molecular consequence: missense variant.
Genome position (GRCh38, 1-based): chr6:29,623,438, C>T on the plus strand (G>A on the coding strand, the complement: GABBR1 is on the minus strand). VCF-style: chr6-29623438-C-T. GRCh37 (hg19) VCF-style: chr6-29591215-C-T.
Other names: c.299G>A, p.Arg100Gln (NM_001319053.2); c.479G>A, p.Arg160Gln (NM_021903.3); c.644G>A, p.Arg215Gln (NM_021904.4); short protein forms R160Q, R277Q, R215Q, R100Q.
Identifiers: ClinVar variation 4999481 (VCV004999481.1).